The following is an entry in ClinVar:

NM_000540.3(RYR1):c.2173G>A (p.Val725Met)

Gene: RYR1 (ryanodine receptor 1; plus strand). Cytogenetic location: 19q13.2.
Variant type: single nucleotide variant.
Coding change: c.2173G>A on transcript NM_000540.3 (MANE Select); coding-DNA position 2173, G replaced by A.
Protein change: p.Val725Met; replaces valine 725 with methionine.
Molecular consequence: missense variant.
Genome position (GRCh38, 1-based): chr19:38,459,151, G>A. VCF-style: chr19-38459151-G-A. GRCh37 (hg19) VCF-style: chr19-38949791-G-A.
Other names: c.2173G>A, p.Val725Met (NM_001042723.2); short protein forms V725M.
Identifiers: ClinVar variation 224370 (VCV000224370.4), dbSNP rs200698933, ClinGen allele CA062978.

ClinVar aggregate classification (germline): Conflicting classifications of pathogenicity. Review status: criteria provided, conflicting classifications (1 of 4 stars). 3 submissions from 3 submitters: Uncertain significance (2); Likely benign (1). Last evaluated 2025-10-09.

Conditions:
Malignant hyperthermia, susceptibility to, 1 (MHS1). Also called: Malignant hyperthermia suceptibility 1; RYR1-Related Malignant Hyperthermia Susceptibility; Anesthesia related hyperthermia; Malignant hyperpyrexia; Fulminating hyperpyrexia; Pharmacogenic myopathy. Identifiers: Orphanet 423, MedGen C2930980, MONDO:0007783, OMIM 145600.

Allele frequency attached by ClinVar (database versions not stated): gnomAD 0.00001; gnomAD exomes 0.00001 and 0.00002; TOPMed 0.00002; ExAC 0.00003; 1000 Genomes Project 30x 0.00016; 1000 Genomes Project 0.00020.
gnomAD v4.1: 19 of 1,613,140 alleles (0.0012%); highest among the groups gnomAD compares: African/African-American, 0.0053%; no homozygotes.

Submissions (3):

Color Diagnostics, LLC DBA Color Health
Classification: Likely benign for Malignant hyperthermia, susceptibility to, 1. Last evaluated: 2025-10-09. Review status: criteria provided, single submitter. Criteria: ACMG Guidelines, 2015. Collection method: clinical testing. Allele origin: germline.

All of Us Research Program, National Institutes of Health
Classification: Uncertain significance for Malignant hyperthermia, susceptibility to, 1. Last evaluated: 2024-08-06. Review status: criteria provided, single submitter. Criteria: ACMG Guidelines, 2015. Collection method: clinical testing. Allele origin: germline. Inheritance: Autosomal dominant inheritance. Observed: 3 variant alleles, 3 heterozygotes.
Comment: This study involves interpretation of variants in research participants for the purpose of population health screening. Participant phenotype was not available at the time of variant classification. Additional details can be found in publication PMID: 35346344, PMCID: PMC8962531

Biesecker Lab/Clinical Genomics Section, National Institutes of Health
Classification: Uncertain significance for Malignant hyperthermia, susceptibility to, 1. Last evaluated: 2013-07-01. Review status: criteria provided, single submitter. Criteria: Gonsalves et al. 2013. Collection method: research. Allele origin: unknown. Observed: 1 variant allele. Study: ClinSeq.
Comment: The study set was not selected for affection status in relation to any myopathy. Pathogenicity categories were based on literature curation. See Pubmed ID: 24195946 for details.